The following is an entry in ClinVar:

NM_000548.5(TSC2):c.2538C>T (p.Phe846=)

Gene: TSC2 (TSC complex subunit 2; plus strand). Cytogenetic location: 16p13.3.
Variant type: single nucleotide variant.
Coding change: c.2538C>T on transcript NM_000548.5 (MANE Select); coding-DNA position 2538, C replaced by T.
Protein change: p.Phe846=; no amino-acid change (phenylalanine 846 retained).
Molecular consequence: synonymous variant.
Genome position (GRCh38, 1-based): chr16:2,074,382, C>T. VCF-style: chr16-2074382-C-T. GRCh37 (hg19) VCF-style: chr16-2124383-C-T.
Other names: c.2538C>T, p.Phe846= (NM_001077183.3, NM_001114382.3, NM_001363528.2 and 3 more transcripts); c.2427C>T, p.Phe809= (NM_001318827.2); c.2391C>T, p.Phe797= (NM_001318829.2); c.1938C>T, p.Phe646= (NM_001318831.2); c.2571C>T, p.Phe857= (NM_001318832.2).
Identifiers: ClinVar variation 795648 (VCV000795648.15), dbSNP rs1360361868, ClinGen allele CA492953267.

ClinVar aggregate classification (germline): Benign/Likely benign. Review status: criteria provided, multiple submitters, no conflicts (2 of 4 stars). 5 submissions from 5 submitters: Benign (1); Likely benign (4). Last evaluated 2026-01-27.

Conditions:
Hereditary cancer-predisposing syndrome. Also called: Neoplastic Syndromes, Hereditary; Hereditary Cancer Syndrome; Tumor predisposition; Hereditary neoplastic syndrome. Identifiers: Orphanet 140162, MedGen C0027672, MeSH D009386, MONDO:0015356.
Tuberous sclerosis syndrome (TSC). Also called: Tuberous sclerosis; Tuberous Sclerosis Complex. Identifiers: Orphanet 805, MedGen C0041341, MONDO:0001734.
Tuberous sclerosis 2 (TSC2). Identifiers: Orphanet 805, MedGen C1860707, MONDO:0013199, OMIM 613254.

gnomAD v4.1: 2 of 1,610,784 alleles (0.00012%); highest among the groups gnomAD compares: South Asian, 0.0011%; no homozygotes.

Submissions (5):

Labcorp Genetics (formerly Invitae), Labcorp
Classification: Likely benign for Tuberous sclerosis 2. Last evaluated: 2026-01-27. Review status: criteria provided, single submitter. Criteria: Invitae Variant Classification Sherloc (09022015). Collection method: clinical testing. Allele origin: germline.

Myriad Genetics, Inc.
Classification: Benign for Tuberous sclerosis 2. Last evaluated: 2025-05-20. Review status: criteria provided, single submitter. Criteria: Myriad Autosomal Dominant, Autosomal Recessive and X-Linked Classification Criteria (2023). Collection method: clinical testing. Allele origin: unknown.
Comment: This variant is considered benign. This variant is a silent/synonymous amino acid change and it is not expected to impact splicing.

All of Us Research Program, National Institutes of Health
Classification: Likely benign for Tuberous sclerosis syndrome. Last evaluated: 2023-04-10. Review status: criteria provided, single submitter. Criteria: ACMG Guidelines, 2015. Collection method: clinical testing. Allele origin: germline. Inheritance: Autosomal dominant inheritance. Observed: 1 variant allele, 1 heterozygote.
Comment: This study involves interpretation of variants in research participants for the purpose of population health screening. Participant phenotype was not available at the time of variant classification. Additional details can be found in publication PMID: 35346344, PMCID: PMC8962531

Ambry Genetics
Classification: Likely benign for Hereditary cancer-predisposing syndrome. Last evaluated: 2022-10-04. Review status: criteria provided, single submitter. Criteria: Ambry Variant Classification Scheme 2023. Collection method: clinical testing. Allele origin: germline.

Color Diagnostics, LLC DBA Color Health
Classification: Likely benign for Tuberous sclerosis syndrome. Last evaluated: 2022-09-26. Review status: criteria provided, single submitter. Criteria: ACMG Guidelines, 2015. Collection method: clinical testing. Allele origin: germline.